The following is an entry in ClinVar:

NM_001276345.2(TNNT2):c.1A>G (p.Met1Val)

Gene: TNNT2 (troponin T2, cardiac type; minus strand). Cytogenetic location: 1q32.1.
Variant type: single nucleotide variant.
Coding change: c.1A>G on transcript NM_001276345.2 (MANE Select); coding-DNA position 1, A replaced by G.
Protein change: p.Met1Val; changes the start codon (methionine 1).
Molecular consequence: missense variant, initiator codon variant.
Genome position (GRCh38, 1-based): chr1:201,373,254, T>C on the plus strand (A>G on the coding strand, the complement: TNNT2 is on the minus strand). VCF-style: chr1-201373254-T-C. GRCh37 (hg19) VCF-style: chr1-201342382-T-C.
Other names: c.1A>G, p.Met1Val (NM_000364.4, NM_001001430.3, NM_001001431.3 and 3 more transcripts); short protein forms M1V.
Identifiers: ClinVar variation 811706 (VCV000811706.20), dbSNP rs1228403814, ClinGen allele CA344209142.

ClinVar aggregate classification (germline): Conflicting classifications of pathogenicity. Review status: criteria provided, conflicting classifications (1 of 4 stars). 3 submissions from 3 submitters: Likely pathogenic (1); Uncertain significance (2). Last evaluated 2024-12-13.

Conditions:
Hypertrophic cardiomyopathy 2. Also called: TNNT2-Related Familial Hypertrophic Cardiomyopathy. Identifiers: MedGen C1861864, MONDO:0007266, OMIM 115195.
Dilated cardiomyopathy 1D. Identifiers: Orphanet 154, Orphanet 54260, MedGen C1832243, MONDO:0011095, OMIM 601494.
Cardiomyopathy, familial restrictive, 3. Identifiers: Orphanet 75249, MedGen C2676271, MONDO:0012900, OMIM 612422.

Allele frequency attached by ClinVar (database versions not stated): gnomAD exomes below 0.00001; TOPMed below 0.00001.

Submissions (3):

Dasa
Classification: Uncertain significance. Last evaluated: 2024-12-13. Review status: criteria provided, single submitter. Criteria: DASA Assertion Criteria. Collection method: clinical testing. Allele origin: germline.
Comment: NM_001276345.2(TNNT2):c.1A>G (p.Met1?) is a start-loss variant predicted to alter the translation initiation codon and impair normal protein translation. This variant is rare in population databases. The currently available literature and clinical evidence are not sufficient to establish a definitive association between this variant and the reported condition. Therefore, this variant is classified as a variant of uncertain significance.

Labcorp Genetics (formerly Invitae), Labcorp
Classification: Uncertain significance for Cardiomyopathy, familial restrictive, 3; Hypertrophic cardiomyopathy 2; Dilated cardiomyopathy 1D. Last evaluated: 2023-05-10. Review status: criteria provided, single submitter. Criteria: Invitae Variant Classification Sherloc (09022015). Collection method: clinical testing. Allele origin: germline.
Comment: In summary, the available evidence is currently insufficient to determine the role of this variant in disease. Therefore, it has been classified as a Variant of Uncertain Significance. Experimental studies and prediction algorithms are not available or were not evaluated, and the functional significance of this variant is currently unknown. ClinVar contains an entry for this variant (Variation ID: 811706). This variant has not been reported in the literature in individuals affected with TNNT2-related conditions. This variant is not present in population databases (gnomAD no frequency). This sequence change affects the initiator methionine of the TNNT2 mRNA. The next in-frame methionine is located at codon 60.

ARUP Laboratories, Molecular Genetics and Genomics, ARUP Laboratories
Classification: Likely pathogenic. Last evaluated: 2018-07-13. Review status: criteria provided, single submitter. Criteria: ARUP Molecular Germline Variant Investigation Process. Collection method: clinical testing. Allele origin: germline.
Comment: The c.1A>G variant has not been reported in the medical literature, gene specific variant databases including ClinVar, or previously identified by our laboratory. The c.1A>G variant is predicted to cause a start-loss of the TNNT2 gene due to a change of the methionine initiation codon. Even though a large number of pathogenic TNNT2 variants are missense variants, at least ten loss-of-function TNNT2 variants have been reported (Hirtle-Lewis 2013, van Spaendonck-Zwarts 2013, Coppini 2014, Jamuar 2016, Messer 2016, Walsh 2017).